The following is an entry in ClinVar:

ClinVar aggregate classification (germline): Likely pathogenic (1 of 4 stars; one submission).

Conditions:
Progressive microcephaly-seizures-cortical blindness-developmental delay syndrome. Also called: Seizures, cortical blindness, and microcephaly syndrome. Identifiers: Orphanet 477814, MedGen C5567650, MONDO:0014714, OMIM 616632.

Submission:

3billion
Classification: Likely pathogenic for Progressive microcephaly-seizures-cortical blindness-developmental delay syndrome. Last evaluated: 2025-12-16. Review status: criteria provided, single submitter. Criteria: ACMG Guidelines, 2015. Collection method: clinical testing. Allele origin: germline. Affected: yes.
Comment: The variant is not observed in the gnomAD v4.1.0 dataset. Predicted Consequence/Location: Canonical splice site: predicted to alter splicing and result in a loss or disruption of normal protein function. Multiple pathogenic loss-of-function variants are reported downstream of the variant. Therefore, this variant is classified as Likely pathogenic according to the recommendation of ACMG/AMP guideline.

NM_005219.5(DIAPH1):c.3149-3_3149-2delinsC

Gene: DIAPH1 (diaphanous related formin 1; minus strand). Cytogenetic location: 5q31.3.
Variant type: Indel.
Coding change: c.3149-3_3149-2delinsC on transcript NM_005219.5 (MANE Select); 3 bases into the intron before coding-DNA position 3149 through the canonical splice acceptor site of the intron before coding-DNA position 3149, TA replaced by C.
Molecular consequence: splice acceptor variant.
Genome position (GRCh38, 1-based): chr5:141,527,699-141,527,700, TA replaced by G on the plus strand (TA replaced by C on the coding strand, the reverse complement: DIAPH1 is on the minus strand). VCF-style: chr5-141527699-TA-G. GRCh37 (hg19) VCF-style: chr5-140907266-TA-G.
Other names: c.3122-3_3122-2delinsC (NM_001079812.3); c.3149-3_3149-2delinsC (NM_001314007.2).
Identifiers: ClinVar variation 4854922 (VCV004854922.1).